The following is an entry in ClinVar:

NM_138615.3(DHX30):c.2723G>A (p.Arg908Gln)

Gene: DHX30 (DExH-box helicase 30; plus strand). Cytogenetic location: 3p21.31.
Variant type: single nucleotide variant.
Coding change: c.2723G>A on transcript NM_138615.3 (MANE Select); coding-DNA position 2723, G replaced by A.
Protein change: p.Arg908Gln; replaces arginine 908 with glutamine.
Molecular consequence: missense variant.
Genome position (GRCh38, 1-based): chr3:47,848,771, G>A. VCF-style: chr3-47848771-G-A. GRCh37 (hg19) VCF-style: chr3-47890261-G-A.
Other names: c.2723G>A (NM_138615.2); c.2639G>A, p.Arg880Gln (NM_001330990.2); c.2606G>A, p.Arg869Gln (NM_014966.4); short protein forms R869Q, R908Q, R880Q.
Identifiers: ClinVar variation 523233 (VCV000523233.5), dbSNP rs1553707019, ClinGen allele CA352591980.

ClinVar aggregate classification (germline): Conflicting classifications of pathogenicity. Review status: criteria provided, conflicting classifications (1 of 4 stars). 3 submissions from 3 submitters: Likely pathogenic (1); Uncertain significance (2). Last evaluated 2025-05-07.

Conditions:
Neurodevelopmental disorder with severe motor impairment and absent language. Also called: NEURODEVELOPMENTAL DISORDER WITH VARIABLE MOTOR AND LANGUAGE IMPAIRMENT. Identifiers: Orphanet 647788, MedGen C4540496, MONDO:0060622, OMIM 617804.

Allele frequency attached by ClinVar (database versions not stated): gnomAD exomes below 0.00001.
gnomAD v4.1: 2 of 1,614,050 alleles (0.00012%); highest among the groups gnomAD compares: Non-Finnish European, 0.000085%; no homozygotes.

Submissions (3):

Greenwood Genetic Center Diagnostic Laboratories, Greenwood Genetic Center
Classification: Uncertain significance. Last evaluated: 2025-05-07. Review status: criteria provided, single submitter. Criteria: ACMG Guidelines, 2015. Collection method: clinical testing. Allele origin: germline. Affected: yes.
Comment: PS3_Moderate, PM6, PP2

GeneDx
Classification: Uncertain significance. Last evaluated: 2024-04-25. Review status: criteria provided, single submitter. Criteria: GeneDx Variant Classification Process June 2021. Collection method: clinical testing. Allele origin: germline. Affected: yes.
Comment: De novo variant with confirmed parentage in a patient in published literature; however, the reported clinical features are only partially consistent with the features typically observed in individuals with pathogenic variants in this gene (PMID: 34020708); Not observed in large population cohorts (gnomAD); In silico analysis supports that this missense variant has a deleterious effect on protein structure/function; In silico analysis suggests this variant may impact gene splicing. In the absence of RNA/functional studies, the actual effect of this sequence change is unknown.; This variant is associated with the following publications: (PMID: 34020708)

Center for Medical Genetics and Molecular Medicine, Haukeland University Hospital
Classification: Likely pathogenic for Neurodevelopmental disorder with severe motor impairment and absent language. Last evaluated: 2018-01-16. Review status: criteria provided, single submitter. Criteria: ACMG Guidelines, 2015. Collection method: clinical testing. Allele origin: de novo. Inheritance: Autosomal dominant inheritance. Affected: yes. Observed: 1 variant allele, 1 heterozygote.
Comment: De novo missense variant in a gene compatible with overlapping but more severe phenotype.